The following is an entry in ClinVar:

NM_080473.5(GATA5):c.107C>T (p.Pro36Leu)

Gene: GATA5 (GATA binding protein 5; minus strand). Cytogenetic location: 20q13.33.
Variant type: single nucleotide variant.
Coding change: c.107C>T on transcript NM_080473.5 (MANE Select); coding-DNA position 107, C replaced by T.
Protein change: p.Pro36Leu; replaces proline 36 with leucine.
Molecular consequence: missense variant.
Genome position (GRCh38, 1-based): chr20:62,475,415, G>A on the plus strand (C>T on the coding strand, the complement: GATA5 is on the minus strand). VCF-style: chr20-62475415-G-A. GRCh37 (hg19) VCF-style: chr20-61050471-G-A.
Other names: short protein forms P36L.
Identifiers: ClinVar variation 2879924 (VCV002879924.4), dbSNP rs2516447479, ClinGen allele CA409557835.

ClinVar aggregate classification (germline): Uncertain significance. Review status: criteria provided, multiple submitters, no conflicts (2 of 4 stars). 2 submissions from 2 submitters: Uncertain significance (2). Last evaluated 2025-07-10.

Submissions (2):

Labcorp Genetics (formerly Invitae), Labcorp
Classification: Uncertain significance. Last evaluated: 2025-07-10. Review status: criteria provided, single submitter. Criteria: Invitae Variant Classification Sherloc (09022015). Collection method: clinical testing. Allele origin: germline.
Comment: This sequence change replaces proline, which is neutral and non-polar, with leucine, which is neutral and non-polar, at codon 36 of the GATA5 protein (p.Pro36Leu). This variant is not present in population databases (gnomAD no frequency). This variant has not been reported in the literature in individuals affected with GATA5-related conditions. ClinVar contains an entry for this variant (Variation ID: 2879924). An algorithm developed to predict the effect of missense changes on protein structure and function (PolyPhen-2) suggests that this variant is likely to be disruptive. In summary, the available evidence is currently insufficient to determine the role of this variant in disease. Therefore, it has been classified as a Variant of Uncertain Significance.

Blueprint Genetics
Classification: Uncertain significance. Last evaluated: 2020-12-21. Review status: criteria provided, single submitter. Criteria: ACMG Guidelines, 2015. Collection method: clinical testing. Allele origin: germline.